The following is an entry in ClinVar:

NM_016169.4(SUFU):c.424C>A (p.Gln142Lys)

Gene: SUFU (SUFU negative regulator of hedgehog signaling; plus strand). Cytogenetic location: 10q24.32.
Variant type: single nucleotide variant.
Coding change: c.424C>A on transcript NM_016169.4 (MANE Select); coding-DNA position 424, C replaced by A.
Protein change: p.Gln142Lys; replaces glutamine 142 with lysine.
Molecular consequence: missense variant.
Genome position (GRCh38, 1-based): chr10:102,550,076, C>A. VCF-style: chr10-102550076-C-A. GRCh37 (hg19) VCF-style: chr10-104309833-C-A.
Other names: c.424C>A, p.Gln142Lys (NM_001178133.2); short protein forms Q142K.
Identifiers: ClinVar variation 3757587 (VCV003757587.2).

ClinVar aggregate classification (germline): Uncertain significance (1 of 4 stars; one submission).

Conditions:
Gorlin syndrome. Also called: Nevoid Basal Cell Carcinoma Syndrome; Basal cell nevus syndrome. Identifiers: Orphanet 377, MedGen C0004779, MONDO:0007187.
Medulloblastoma (MDB). Also called: Medulloblastoma, somatic; MEDULLOBLASTOMA PREDISPOSITION SYNDROME. Identifiers: Orphanet 616, MedGen C0025149, MeSH D008527, MONDO:0007959, OMIM 155255, HP:0002885.

Submission:

Labcorp Genetics (formerly Invitae), Labcorp
Classification: Uncertain significance for Gorlin syndrome; Medulloblastoma. Last evaluated: 2025-07-31. Review status: criteria provided, single submitter. Criteria: Invitae Variant Classification Sherloc (09022015). Collection method: clinical testing. Allele origin: germline.
Comment: This sequence change replaces glutamine, which is neutral and polar, with lysine, which is basic and polar, at codon 142 of the SUFU protein (p.Gln142Lys). This variant is not present in population databases (gnomAD no frequency). This variant has not been reported in the literature in individuals affected with SUFU-related conditions. ClinVar contains an entry for this variant (Variation ID: 3757587). Invitae Evidence Modeling of protein sequence and biophysical properties (such as structural, functional, and spatial information, amino acid conservation, physicochemical variation, residue mobility, and thermodynamic stability) indicates that this missense variant is expected to disrupt SUFU protein function with a positive predictive value of 80%. In summary, the available evidence is currently insufficient to determine the role of this variant in disease. Therefore, it has been classified as a Variant of Uncertain Significance.